The following is an entry in ClinVar:

NM_001371986.1(UNC80):c.1684G>A (p.Val562Ile)

Genes: UNC80 (unc-80 subunit of NALCN channel complex; plus strand), LOC122861286 (Sharpr-MPRA regulatory region 8450; plus strand). Cytogenetic location: 2q34.
Variant type: single nucleotide variant.
Coding change: c.1684G>A on transcript NM_001371986.1 (MANE Select); coding-DNA position 1684, G replaced by A.
Protein change: p.Val562Ile; replaces valine 562 with isoleucine.
Molecular consequence: missense variant.
Genome position (GRCh38, 1-based): chr2:209,817,943, G>A. VCF-style: chr2-209817943-G-A. GRCh37 (hg19) VCF-style: chr2-210682667-G-A.
Other names: c.1684G>A (NM_032504.1); c.1684G>A, p.Val562Ile (NM_032504.2, NM_182587.4); short protein forms V562I.
Identifiers: ClinVar variation 2175637 (VCV002175637.3), dbSNP rs762348614, ClinGen allele CA2082958.
Genomic context (GRCh38, chr2:209,817,943, plus strand): 5'-TCCCATCACACCCTGGTAAGCGACCTGCCGGACCCCTCCAACAGCCATGGAGAAAACACC[G>A]TCAAGGAAGGTGGGTAGGAGGTGGGGCCTACGGGCAGGAGTTCAGAGTTCTTTTTTTGTT-3'
Protein context (NP_001358915.1, residues 552-572): DPSNSHGENT[Val562Ile]KEVRSQISTI

ClinVar aggregate classification (germline): Uncertain significance. Review status: criteria provided, multiple submitters, no conflicts (2 of 4 stars). 3 submissions from 3 submitters: Uncertain significance (3). Last evaluated 2025-07-21.

Conditions:
Inborn genetic diseases. Identifiers: MedGen C0950123, MeSH D030342.

Allele frequency attached by ClinVar (database versions not stated): ExAC 0.00005.
gnomAD v4.1: 27 of 1,551,452 alleles (0.0017%); highest among the groups gnomAD compares: South Asian, 0.0048%; no homozygotes.

Submissions (3):

Women's Health and Genetics/Laboratory Corporation of America, LabCorp
Classification: Uncertain significance. Last evaluated: 2025-07-21. Review status: criteria provided, single submitter. Criteria: LabCorp Variant Classification Summary - May 2015. Collection method: clinical testing. Allele origin: germline.
Comment: Variant summary: UNC80 c.1684G>A (p.Val562Ile) results in a conservative amino acid change in the encoded protein sequence. Algorithms developed to predict the effect of missense changes on protein structure and function all suggest that this variant is likely to be tolerated. The variant allele was found at a frequency of 2.6e-05 in 156492 control chromosomes. The available data on variant occurrences in the general population are insufficient to allow any conclusion about variant significance. To our knowledge, no occurrence of c.1684G>A in individuals affected with Infantile Hypotonia With Psychomotor Retardation And Characteristic Facies 2 and no experimental evidence demonstrating its impact on protein function have been reported. ClinVar contains an entry for this variant (Variation ID: 2175637). Based on the evidence outlined above, the variant was classified as uncertain significance.

Labcorp Genetics (formerly Invitae), Labcorp
Classification: Uncertain significance. Last evaluated: 2022-07-19. Review status: criteria provided, single submitter. Criteria: Invitae Variant Classification Sherloc (09022015). Collection method: clinical testing. Allele origin: germline.
Comment: This sequence change replaces valine, which is neutral and non-polar, with isoleucine, which is neutral and non-polar, at codon 562 of the UNC80 protein (p.Val562Ile). This variant is present in population databases (rs762348614, gnomAD 0.01%). This variant has not been reported in the literature in individuals affected with UNC80-related conditions. Algorithms developed to predict the effect of missense changes on protein structure and function output the following: SIFT: "Not Available"; PolyPhen-2: "Benign"; Align-GVGD: "Not Available". The isoleucine amino acid residue is found in multiple mammalian species, which suggests that this missense change does not adversely affect protein function. In summary, the available evidence is currently insufficient to determine the role of this variant in disease. Therefore, it has been classified as a Variant of Uncertain Significance.

Ambry Genetics
Classification: Uncertain significance for Inborn genetic diseases. Last evaluated: 2021-08-12. Review status: criteria provided, single submitter. Criteria: Ambry Variant Classification Scheme 2023. Collection method: clinical testing. Allele origin: germline.